The following is an entry in ClinVar:

NM_001024630.4(RUNX2):c.85C>A (p.Pro29Thr)

Gene: RUNX2 (RUNX family transcription factor 2; plus strand). Cytogenetic location: 6p21.1.
Variant type: single nucleotide variant.
Coding change: c.85C>A on transcript NM_001024630.4 (MANE Select); coding-DNA position 85, C replaced by A.
Protein change: p.Pro29Thr; replaces proline 29 with threonine.
Molecular consequence: missense variant.
Genome position (GRCh38, 1-based): chr6:45,422,619, C>A. VCF-style: chr6-45422619-C-A. GRCh37 (hg19) VCF-style: chr6-45390356-C-A.
Other names: c.85C>A, p.Pro29Thr (NM_001015051.4); c.43C>A, p.Pro15Thr (NM_001278478.2, NM_001369405.1, NM_004348.3); short protein forms P29T, P15T.
Identifiers: ClinVar variation 2056229 (VCV002056229.4), dbSNP rs114654066, ClinGen allele CA3836255.
Genomic context (GRCh38, chr6:45,422,619, plus strand): 5'-TAACTTGTGGCTGTTGTGATGCGTATTCCCGTAGATCCGAGCACCAGCCGGCGCTTCAGC[C>A]CCCCCTCCAGCAGCCTGCAGCCCGGCAAAATGAGCGACGTGAGCCCGGTGGTGGCTGCGC-3'
Protein context (NP_001019801.3, residues 19-39): WDPSTSRRFS[Pro29Thr]PSSSLQPGKM

ClinVar aggregate classification (germline): Uncertain significance (1 of 4 stars; one submission).

gnomAD v4.1: 16 of 1,607,086 alleles (0.001%); highest among the groups gnomAD compares: Admixed American, 0.0017%; no homozygotes.

Submission:

Labcorp Genetics (formerly Invitae), Labcorp
Classification: Uncertain significance. Last evaluated: 2022-06-14. Review status: criteria provided, single submitter. Criteria: Invitae Variant Classification Sherloc (09022015). Collection method: clinical testing. Allele origin: germline.
Comment: In summary, the available evidence is currently insufficient to determine the role of this variant in disease. Therefore, it has been classified as a Variant of Uncertain Significance. Algorithms developed to predict the effect of missense changes on protein structure and function are either unavailable or do not agree on the potential impact of this missense change (SIFT: "Deleterious"; PolyPhen-2: "Benign"; Align-GVGD: "Class C0"). This variant has not been reported in the literature in individuals affected with RUNX2-related conditions. This variant is present in population databases (rs114654066, gnomAD 0.003%). This sequence change replaces proline, which is neutral and non-polar, with threonine, which is neutral and polar, at codon 29 of the RUNX2 protein (p.Pro29Thr).